The following is an entry in ClinVar:

ClinVar aggregate classification (germline): Uncertain significance (1 of 4 stars; one submission).

Conditions:
Muscular dystrophy-dystroglycanopathy (congenital with brain and eye anomalies), type A3. Also called: Muscular dystrophy-dystroglycanopathy (congenital with brain and eye anomalies), type A, 3; WALKER-WARBURG SYNDROME OR MUSCLE-EYE-BRAIN DISEASE, POMGNT1-RELATED; Congenital muscular dystrophy-dystroglycanopathy with brain and eye anomalies, type A3. Identifiers: MedGen C3151519, MONDO:0009667, OMIM 253280.

gnomAD v4.1: 1 of 1,609,058 alleles (0.000062%); highest among the groups gnomAD compares: Non-Finnish European, 0.000085%; no homozygotes.

Submission:

3billion
Classification: Uncertain significance for Muscular dystrophy-dystroglycanopathy (congenital with brain and eye anomalies), type A3. Last evaluated: 2026-01-14. Review status: criteria provided, single submitter. Criteria: ACMG Guidelines, 2015. Collection method: clinical testing. Allele origin: germline. Affected: yes.
Comment: The variant is observed at an extremely low frequency in the gnomAD v4.1.0 dataset (total allele frequency: <0.001%). Predicted Consequence/Location: Intron variant In silico tools predict the variant to alter splicing and produce an abnormal transcript [SpliceAI: 1.00 (>=0.2, moderate evidence for spliceogenicity)]. Therefore, this variant is classified as VUS according to the recommendation of ACMG/AMP guideline.

NM_017739.4(POMGNT1):c.1786-4C>G

Genes: POMGNT1 (protein O-linked mannose N-acetylglucosaminyltransferase 1 (beta 1,2-); minus strand), TSPAN1 (tetraspanin 1; plus strand). Cytogenetic location: 1p34.1.
Variant type: single nucleotide variant.
Coding change: c.1786-4C>G on transcript NM_017739.4 (MANE Select); 4 bases into the intron before coding-DNA position 1786, C replaced by G.
Molecular consequence: intron variant.
Genome position (GRCh38, 1-based): chr1:46,189,571, G>C on the plus strand (C>G on the coding strand, the complement: POMGNT1 is on the minus strand). VCF-style: chr1-46189571-G-C. GRCh37 (hg19) VCF-style: chr1-46655243-G-C.
Other names: c.1786-4C>G (NM_001243766.2, NM_001438686.1, NM_001438688.1 and 3 more transcripts); c.1720-4C>G (NM_001290129.3, NM_001438691.1, NM_001438692.1); c.1357-4C>G (NM_001290130.2).
Identifiers: ClinVar variation 4855255 (VCV004855255.1).